The following is an entry in ClinVar:

NM_032447.5(FBN3):c.1826G>A (p.Arg609His)

Gene: FBN3 (fibrillin 3; minus strand). Cytogenetic location: 19p13.2.
Variant type: single nucleotide variant.
Coding change: c.1826G>A on transcript NM_032447.5 (MANE Select); coding-DNA position 1826, G replaced by A.
Protein change: p.Arg609His; replaces arginine 609 with histidine.
Molecular consequence: missense variant.
Genome position (GRCh38, 1-based): chr19:8,131,718, C>T on the plus strand (G>A on the coding strand, the complement: FBN3 is on the minus strand). VCF-style: chr19-8131718-C-T. GRCh37 (hg19) VCF-style: chr19-8196602-C-T.
Other names: c.1826G>A, p.Arg609His (NM_001321431.2); short protein forms R609H.
Identifiers: ClinVar variation 1408709 (VCV001408709.9), dbSNP rs148221874, ClinGen allele CA9153139.

ClinVar aggregate classification (germline): Uncertain significance (1 of 4 stars; one submission).

Allele frequency attached by ClinVar (database versions not stated): gnomAD 0.00004; ESP Exome Variant Server 0.00008.
gnomAD v4.1: 50 of 1,613,792 alleles (0.0031%); highest among the groups gnomAD compares: African/African-American, 0.0067%; no homozygotes.

Submission:

Labcorp Genetics (formerly Invitae), Labcorp
Classification: Uncertain significance. Last evaluated: 2024-11-04. Review status: criteria provided, single submitter. Criteria: Invitae Variant Classification Sherloc (09022015). Collection method: clinical testing. Allele origin: germline.
Comment: This sequence change replaces arginine, which is basic and polar, with histidine, which is basic and polar, at codon 609 of the FBN3 protein (p.Arg609His). This variant is present in population databases (rs148221874, gnomAD 0.005%). This variant has not been reported in the literature in individuals affected with FBN3-related conditions. ClinVar contains an entry for this variant (Variation ID: 1408709). Invitae Evidence Modeling of protein sequence and biophysical properties (such as structural, functional, and spatial information, amino acid conservation, physicochemical variation, residue mobility, and thermodynamic stability) indicates that this missense variant is expected to disrupt FBN3 protein function with a positive predictive value of 80%. In summary, the available evidence is currently insufficient to determine the role of this variant in disease. Therefore, it has been classified as a Variant of Uncertain Significance.